The following is an entry in ClinVar:

ClinVar aggregate classification (germline): Benign (1 of 4 stars; one submission).

Allele frequency attached by ClinVar (database versions not stated): ExAC 0.00074; 1000 Genomes Project 0.00020; ESP Exome Variant Server 0.00086.

Submission:

CeGaT Center for Human Genetics Tuebingen
Classification: Benign. Last evaluated: 2022-04-01. Review status: criteria provided, single submitter. Criteria: CeGaT Center For Human Genetics Tuebingen Variant Classification Criteria Version 2. Collection method: clinical testing. Allele origin: germline. Affected: yes. Observed: 1 variant allele.
Comment: LILRA3: BS1, BS2

NM_006865.5(LILRA3):c.802C>T (p.Arg268Cys)

Gene: LILRA3 (leukocyte immunoglobulin like receptor A3; minus strand). Cytogenetic location: 19q13.42.
Variant type: single nucleotide variant.
Coding change: c.802C>T on transcript NM_006865.5 (MANE Select); coding-DNA position 802, C replaced by T.
Protein change: p.Arg268Cys; replaces arginine 268 with cysteine.
Molecular consequence: missense variant.
Genome position (GRCh38, 1-based): chr19:273,753, G>A on the plus strand (C>T on the coding strand, the complement: LILRA3 is on the minus strand). VCF-style: chr19-273753-G-A. GRCh37 (hg19) VCF-style: chr19-54802639-G-A.
Other names: c.610C>T, p.Arg204Cys (NM_001172654.2); short protein forms R204C, R268C.
Identifiers: ClinVar variation 2650447 (VCV002650447.19), dbSNP rs1599897599, ClinGen allele CA9650242.